The following is an entry in ClinVar:

NM_000059.4(BRCA2):c.9430T>G (p.Ser3144Ala)

Gene: BRCA2 (BRCA2 DNA repair associated; plus strand). Cytogenetic location: 13q13.1.
Variant type: single nucleotide variant.
Coding change: c.9430T>G on transcript NM_000059.4 (MANE Select); coding-DNA position 9430, T replaced by G.
Protein change: p.Ser3144Ala; replaces serine 3144 with alanine.
Molecular consequence: missense variant. On other transcripts: non-coding transcript variant (1).
Genome position (GRCh38, 1-based): chr13:32,394,862, T>G. VCF-style: chr13-32394862-T-G. GRCh37 (hg19) VCF-style: chr13-32968999-T-G.
Other names: c.9334T>G, p.Ser3112Ala (NM_001406719.1); c.9379T>G, p.Ser3127Ala (NM_001406720.1); c.4498T>G, p.Ser1500Ala (NM_001406721.1); c.3013T>G, p.Ser1005Ala (NM_001406722.1); c.9430T>G, p.Ser3144Ala (NM_001432077.1); short protein forms S3112A, S1005A, S3127A, S1500A, S3144A.
Identifiers: ClinVar variation 4215792 (VCV004215792.1).

ClinVar aggregate classification (germline): Uncertain significance (1 of 4 stars; one submission).

Conditions:
Hereditary cancer-predisposing syndrome. Also called: Hereditary Cancer Syndrome; Hereditary neoplastic syndrome; Neoplastic Syndromes, Hereditary; Tumor predisposition. Identifiers: Orphanet 140162, MedGen C0027672, MeSH D009386, MONDO:0015356.

Submission:

Ambry Genetics
Classification: Uncertain significance for Hereditary cancer-predisposing syndrome. Last evaluated: 2025-06-24. Review status: criteria provided, single submitter. Criteria: Ambry Variant Classification Scheme 2023. Collection method: clinical testing. Allele origin: germline.
Comment: The p.S3144A variant (also known as c.9430T>G), located in coding exon 24 of the BRCA2 gene, results from a T to G substitution at nucleotide position 9430. The serine at codon 3144 is replaced by alanine, an amino acid with similar properties. This amino acid position is conserved. In addition, the in silico prediction for this alteration is inconclusive. Based on the available evidence, the clinical significance of this variant remains unclear.